The following is an entry in ClinVar:

NM_001040108.2(MLH3):c.1384G>A (p.Asp462Asn)

Gene: MLH3 (mutL homolog 3; minus strand). Cytogenetic location: 14q24.3.
Variant type: single nucleotide variant.
Coding change: c.1384G>A on transcript NM_001040108.2 (MANE Select); coding-DNA position 1384, G replaced by A.
Protein change: p.Asp462Asn; replaces aspartic acid 462 with asparagine.
Molecular consequence: missense variant.
Genome position (GRCh38, 1-based): chr14:75,048,272, C>T on the plus strand (G>A on the coding strand, the complement: MLH3 is on the minus strand). VCF-style: chr14-75048272-C-T. GRCh37 (hg19) VCF-style: chr14-75514975-C-T.
Other names: c.1384G>A, p.Asp462Asn (NM_014381.3); short protein forms D462N.
Identifiers: ClinVar variation 1163960 (VCV001163960.13), dbSNP rs369525473, ClinGen allele CA7275887.
Genomic context (GRCh38, chr14:75,048,272, plus strand): 5'-CAGCTTCTGATGCTACAATTGTCTCTTGTTCTAACATCTTTGATTCTGAGCAAGAGCTGT[C>T]TTTGTTTTGTAAAGATGGCTCTGTCATTTTGCTATGGCCTGGACCACCTGATTCATAAAT-3'
Protein context (NP_001035197.1, residues 452-472): KMTEPSLQNK[Asp462Asn]SSCSESKMLE

ClinVar aggregate classification (germline): Uncertain significance. Review status: criteria provided, multiple submitters, no conflicts (2 of 4 stars). 4 submissions from 4 submitters: Uncertain significance (4). Last evaluated 2025-06-16.

Conditions:
MLH3-related disorder. Also called: MLH3-related condition.
Colorectal cancer, hereditary nonpolyposis, type 7. Identifiers: Orphanet 144, MedGen C1858380, MONDO:0013725, OMIM 614385.

Allele frequency attached by ClinVar (database versions not stated): ExAC 0.00001; gnomAD 0.00001; gnomAD exomes 0.00001 and 0.00002; TOPMed 0.00003; ESP Exome Variant Server 0.00015.
gnomAD v4.1: 10 of 1,614,008 alleles (0.00062%); highest among the groups gnomAD compares: Middle Eastern, 0.016%; no homozygotes.

Submissions (4):

Labcorp Genetics (formerly Invitae), Labcorp
Classification: Uncertain significance for Colorectal cancer, hereditary nonpolyposis, type 7. Last evaluated: 2025-06-16. Review status: criteria provided, single submitter. Criteria: Invitae Variant Classification Sherloc (09022015). Collection method: clinical testing. Allele origin: germline.
Comment: This sequence change replaces aspartic acid, which is acidic and polar, with asparagine, which is neutral and polar, at codon 462 of the MLH3 protein (p.Asp462Asn). This variant is present in population databases (rs369525473, gnomAD 0.007%). This variant has not been reported in the literature in individuals affected with MLH3-related conditions. ClinVar contains an entry for this variant (Variation ID: 1163960). An algorithm developed to predict the effect of missense changes on protein structure and function outputs the following: PolyPhen-2: "Benign". The asparagine amino acid residue is found in multiple mammalian species, which suggests that this missense change does not adversely affect protein function. In summary, the available evidence is currently insufficient to determine the role of this variant in disease. Therefore, it has been classified as a Variant of Uncertain Significance.

Ambry Genetics
Classification: Uncertain significance. Last evaluated: 2024-02-13. Review status: criteria provided, single submitter. Criteria: Ambry Variant Classification Scheme 2023. Collection method: clinical testing. Allele origin: germline.
Comment: The p.D462N variant (also known as c.1384G>A), located in coding exon 1 of the MLH3 gene, results from a G to A substitution at nucleotide position 1384. The aspartic acid at codon 462 is replaced by asparagine, an amino acid with highly similar properties. This amino acid position is not well conserved in available vertebrate species. In addition, this alteration is predicted to be tolerated by in silico analysis. The evidence for this gene-disease relationship is limited; therefore, the clinical significance of this alteration is unclear.

PreventionGenetics, part of Exact Sciences
Classification: Uncertain significance for MLH3-related condition. Last evaluated: 2023-07-06. Review status: criteria provided, single submitter. Criteria: ACMG Guidelines, 2015. Collection method: clinical testing. Allele origin: germline.
Comment: The MLH3 c.1384G>A variant is predicted to result in the amino acid substitution p.Asp462Asn. To our knowledge, this variant has not been reported in the literature. This variant is reported in 0.012% of alleles in individuals of African descent in gnomAD. In ClinVar, it is classified as a variant of uncertain significance. At this time, the clinical significance of this variant is uncertain due to the absence of conclusive functional and genetic evidence.

Mayo Clinic Laboratories, Mayo Clinic
Classification: Uncertain significance. Last evaluated: 2019-06-18. Review status: criteria provided, single submitter. Criteria: ACMG Guidelines, 2015. Collection method: clinical testing. Allele origin: germline. Observed: 1 variant allele.